The following is an entry in ClinVar:

ClinVar aggregate classification (germline): Uncertain significance. Review status: criteria provided, multiple submitters, no conflicts (2 of 4 stars). 2 submissions from 2 submitters: Uncertain significance (2). Last evaluated 2025-10-07.

Conditions:
Inborn genetic diseases. Identifiers: MedGen C0950123, MeSH D030342.

Allele frequency attached by ClinVar (database versions not stated): ExAC 0.00001; gnomAD exomes 0.00003 and 0.00002; TOPMed 0.00001; gnomAD 0.00002.
gnomAD v4.1: 43 of 1,613,850 alleles (0.0027%); highest among the groups gnomAD compares: Admixed American, 0.0033%; no homozygotes.

Submissions (2):

Ambry Genetics
Classification: Uncertain significance for Inborn genetic diseases. Last evaluated: 2025-10-07. Review status: criteria provided, single submitter. Criteria: Ambry Variant Classification Scheme 2023. Collection method: clinical testing. Allele origin: germline.

Labcorp Genetics (formerly Invitae), Labcorp
Classification: Uncertain significance. Last evaluated: 2022-03-18. Review status: criteria provided, single submitter. Criteria: Invitae Variant Classification Sherloc (09022015). Collection method: clinical testing. Allele origin: germline.
Comment: This sequence change replaces threonine, which is neutral and polar, with alanine, which is neutral and non-polar, at codon 254 of the PCLO protein (p.Thr254Ala). This variant is present in population databases (rs754825072, gnomAD 0.004%). This variant has not been reported in the literature in individuals affected with PCLO-related conditions. Algorithms developed to predict the effect of missense changes on protein structure and function output the following: SIFT: "Tolerated"; PolyPhen-2: "Not Available"; Align-GVGD: "Class C0". The alanine amino acid residue is found in multiple mammalian species, which suggests that this missense change does not adversely affect protein function. In summary, the available evidence is currently insufficient to determine the role of this variant in disease. Therefore, it has been classified as a Variant of Uncertain Significance.

NM_033026.6(PCLO):c.760A>G (p.Thr254Ala)

Gene: PCLO (piccolo presynaptic cytomatrix protein; minus strand). Cytogenetic location: 7q21.11.
Variant type: single nucleotide variant.
Coding change: c.760A>G on transcript NM_033026.6 (MANE Select); coding-DNA position 760, A replaced by G.
Protein change: p.Thr254Ala; replaces threonine 254 with alanine.
Molecular consequence: missense variant.
Genome position (GRCh38, 1-based): chr7:83,155,881, T>C on the plus strand (A>G on the coding strand, the complement: PCLO is on the minus strand). VCF-style: chr7-83155881-T-C. GRCh37 (hg19) VCF-style: chr7-82785197-T-C.
Other names: c.760A>G, p.Thr254Ala (NM_014510.3); c.760A>G (NM_033026.5); short protein forms T254A.
Identifiers: ClinVar variation 1512814 (VCV001512814.4), dbSNP rs754825072, ClinGen allele CA4321609.